The following is an entry in ClinVar:

ClinVar aggregate classification (germline): Uncertain significance (1 of 4 stars; one submission).

Conditions:
Inborn genetic diseases. Identifiers: MedGen C0950123, MeSH D030342.

Submission:

Ambry Genetics
Classification: Uncertain significance for Inborn genetic diseases. Last evaluated: 2025-05-01. Review status: criteria provided, single submitter. Criteria: Ambry Variant Classification Scheme 2023. Collection method: clinical testing. Allele origin: germline.
Comment: The p.P320T variant (also known as c.958C>A), located in coding exon 8 of the PAX5 gene, results from a C to A substitution at nucleotide position 958. The proline at codon 320 is replaced by threonine, an amino acid with highly similar properties. This amino acid position is conserved. In addition, the in silico prediction for this alteration is inconclusive. Based on the available evidence, the clinical significance of this variant remains unclear.

NM_016734.3(PAX5):c.958C>A (p.Pro320Thr)

Gene: PAX5 (paired box 5; minus strand). Cytogenetic location: 9p13.2.
Variant type: single nucleotide variant.
Coding change: c.958C>A on transcript NM_016734.3 (MANE Select); coding-DNA position 958, C replaced by A.
Protein change: p.Pro320Thr; replaces proline 320 with threonine.
Molecular consequence: missense variant. On other transcripts: non-coding transcript variant (2), intron variant (6).
Genome position (GRCh38, 1-based): chr9:36,882,058, G>T on the plus strand (C>A on the coding strand, the complement: PAX5 is on the minus strand). VCF-style: chr9-36882058-G-T. GRCh37 (hg19) VCF-style: chr9-36882055-G-T.
Other names: c.958C>A, p.Pro320Thr (NM_001280548.2); c.829C>A, p.Pro277Thr (NM_001280553.2, NM_001280554.2); c.634C>A, p.Pro212Thr (NM_001280556.2); c.586+41297C>A (NM_001280551.2); c.713-35129C>A (NM_001280555.2); c.781-41422C>A (NM_001280550.2); c.781-35129C>A (NM_001280549.2); c.910+41297C>A (NM_001280552.2); and 1 more; short protein forms P212T, P277T, P320T.
Identifiers: ClinVar variation 3928311 (VCV003928311.1).
Genomic context (GRCh38, chr9:36,882,058, plus strand): 5'-ACTCACCAGGCACCATCCCTGTCAGCGTCGGTGCTGAGTAGCTGCCCTGTCCAGCGGGGG[G>T]GACGTGTGGAGGGTACCCGGGGAGGGTCGTGCTCGCCAAGTCACGGCCTGAGGAATCAAA-3'
Protein context (NP_057953.1, residues 310-330): TTLPGYPPHV[Pro320Thr]PAGQGSYSAP